The following is an entry in ClinVar:

NM_052947.4(ALPK2):c.4588G>C (p.Asp1530His)

Genes: ALPK2 (alpha kinase 2; minus strand), LOC126862764 (BRD4-independent group 4 enhancer GRCh37_chr18:56202574-56203773; plus strand). Cytogenetic location: 18q21.31.
Variant type: single nucleotide variant.
Coding change: c.4588G>C on transcript NM_052947.4 (MANE Select); coding-DNA position 4588, G replaced by C.
Protein change: p.Asp1530His; replaces aspartic acid 1530 with histidine.
Molecular consequence: missense variant.
Genome position (GRCh38, 1-based): chr18:58,535,599, C>G on the plus strand (G>C on the coding strand, the complement: ALPK2 is on the minus strand). VCF-style: chr18-58535599-C-G. GRCh37 (hg19) VCF-style: chr18-56202831-C-G.
Other names: short protein forms D1530H.
Identifiers: ClinVar variation 3290170 (VCV003290170.1).

ClinVar aggregate classification (germline): Uncertain significance (1 of 4 stars; one submission).

Submission:

Ambry Genetics
Classification: Uncertain significance. Last evaluated: 2024-04-22. Review status: criteria provided, single submitter. Criteria: Ambry Variant Classification Scheme 2023. Collection method: clinical testing. Allele origin: germline.
Comment: The p.D1530H variant (also known as c.4588G>C), located in coding exon 4 of the ALPK2 gene, results from a G to C substitution at nucleotide position 4588. The aspartic acid at codon 1530 is replaced by histidine, an amino acid with similar properties. This amino acid position is conserved. In addition, this alteration is predicted to be tolerated by in silico analysis. Based on the available evidence, the clinical significance of this variant remains unclear.